The following is an entry in ClinVar:

NM_018136.5(ASPM):c.2601C>G (p.His867Gln)

Gene: ASPM (assembly factor for spindle microtubules; minus strand). Cytogenetic location: 1q31.3.
Variant type: single nucleotide variant.
Coding change: c.2601C>G on transcript NM_018136.5 (MANE Select); coding-DNA position 2601, C replaced by G.
Protein change: p.His867Gln; replaces histidine 867 with glutamine.
Molecular consequence: missense variant.
Genome position (GRCh38, 1-based): chr1:197,129,943, G>C on the plus strand (C>G on the coding strand, the complement: ASPM is on the minus strand). VCF-style: chr1-197129943-G-C. GRCh37 (hg19) VCF-style: chr1-197099073-G-C.
Other names: c.2601C>G, p.His867Gln (NM_001206846.2); c.2601C>G (NM_018136.4); short protein forms H867Q.
Identifiers: ClinVar variation 1979123 (VCV001979123.5), dbSNP rs566981327, ClinGen allele CA1310409.

ClinVar aggregate classification (germline): Uncertain significance. Review status: criteria provided, multiple submitters, no conflicts (2 of 4 stars). 2 submissions from 2 submitters: Uncertain significance (2). Last evaluated 2025-04-25.

Allele frequency attached by ClinVar (database versions not stated): TOPMed below 0.00001; gnomAD 0.00001; ExAC 0.00002; 1000 Genomes Project 30x 0.00016; 1000 Genomes Project 0.00020.
gnomAD v4.1: 5 of 1,613,956 alleles (0.00031%); highest among the groups gnomAD compares: Admixed American, 0.005%; no homozygotes.

Submissions (2):

Athena Diagnostics
Classification: Uncertain significance. Last evaluated: 2025-04-25. Review status: criteria provided, single submitter. Criteria: Athena Diagnostics Criteria. Collection method: clinical testing. Allele origin: unknown.
Comment: Available data are insufficient to determine the clinical significance of the variant at this time. The frequency of this variant in the general population is uninformative in assessment of its pathogenicity. Polyphen and MutationTaster yielded discordant predictions regarding whether this amino acid change is damaging to the protein.

Labcorp Genetics (formerly Invitae), Labcorp
Classification: Uncertain significance. Last evaluated: 2022-07-10. Review status: criteria provided, single submitter. Criteria: Invitae Variant Classification Sherloc (09022015). Collection method: clinical testing. Allele origin: germline.
Comment: Algorithms developed to predict the effect of missense changes on protein structure and function are either unavailable or do not agree on the potential impact of this missense change (SIFT: "Deleterious"; PolyPhen-2: "Probably Damaging"; Align-GVGD: "Class C0"). In summary, the available evidence is currently insufficient to determine the role of this variant in disease. Therefore, it has been classified as a Variant of Uncertain Significance. This variant has not been reported in the literature in individuals affected with ASPM-related conditions. This sequence change replaces histidine, which is basic and polar, with glutamine, which is neutral and polar, at codon 867 of the ASPM protein (p.His867Gln). This variant is present in population databases (rs566981327, gnomAD 0.009%).